The following is an entry in ClinVar:

NM_000186.4(CFH):c.17A>G (p.Lys6Arg)

Gene: CFH (complement factor H; plus strand). Cytogenetic location: 1q31.3.
Variant type: single nucleotide variant.
Coding change: c.17A>G on transcript NM_000186.4 (MANE Select); coding-DNA position 17, A replaced by G.
Protein change: p.Lys6Arg; replaces lysine 6 with arginine.
Molecular consequence: missense variant.
Genome position (GRCh38, 1-based): chr1:196,652,134, A>G. VCF-style: chr1-196652134-A-G. GRCh37 (hg19) VCF-style: chr1-196621264-A-G.
Other names: c.17A>G, p.Lys6Arg (NM_001014975.3); short protein forms K6R.
Identifiers: ClinVar variation 4690882 (VCV004690882.1).

ClinVar aggregate classification (germline): Uncertain significance (1 of 4 stars; one submission).

Submission:

Labcorp Genetics (formerly Invitae), Labcorp
Classification: Uncertain significance. Last evaluated: 2025-11-06. Review status: criteria provided, single submitter. Criteria: Invitae Variant Classification Sherloc (09022015). Collection method: clinical testing. Allele origin: germline.
Comment: This sequence change replaces lysine, which is basic and polar, with arginine, which is basic and polar, at codon 6 of the CFH protein (p.Lys6Arg). This variant is present in population databases (no rsID available, gnomAD 0.0009%). This variant has not been reported in the literature in individuals affected with CFH-related conditions. An algorithm developed to predict the effect of missense changes on protein structure and function outputs the following: PolyPhen-2: "Benign". The arginine amino acid residue is found in multiple mammalian species, which suggests that this missense change does not adversely affect protein function. In summary, the available evidence is currently insufficient to determine the role of this variant in disease. Therefore, it has been classified as a Variant of Uncertain Significance.